The following is an entry in ClinVar:

ClinVar aggregate classification (germline): Uncertain significance (1 of 4 stars; one submission).

Conditions:
Hereditary spastic paraplegia 11. Also called: Spastic paraplegia, mental retardation and thin corpus callosum; SPASTIC PARAPLEGIA, AUTOSOMAL RECESSIVE, COMPLICATED, WITH THIN CORPUS CALLOSUM; SPASTIC PARAPLEGIA, AUTOSOMAL RECESSIVE, WITH MENTAL IMPAIRMENT AND THIN CORPUS CALLOSUM; Spastic Paraplegia 11; Nakamura Osame syndrome; Autosomal recessive hereditary spastic paraplegia, mental impairment, and thin corpus callosum. Identifiers: Orphanet 2822, MedGen C1858479, MONDO:0011445, OMIM 604360.

Submission:

Labcorp Genetics (formerly Invitae), Labcorp
Classification: Uncertain significance for Hereditary spastic paraplegia 11. Last evaluated: 2023-03-31. Review status: criteria provided, single submitter. Criteria: Invitae Variant Classification Sherloc (09022015). Collection method: clinical testing. Allele origin: unknown.
Comment: In summary, the available evidence is currently insufficient to determine the role of this variant in disease. Therefore, it has been classified as a Variant of Uncertain Significance. This variant has not been reported in the literature in individuals affected with SPG11-related conditions. This variant results in a copy number gain of the genomic region encompassing exon(s) 1-28 of the SPG11 gene. This region includes the initiator codon of the gene. This copy number gain extends beyond the assayed region for this gene and therefore may encompass additional genes. As the precise location of this event is unknown, it may be in tandem or it may be located elsewhere in the genome.

NC_000015.9:g.(?_44881430)_(44955845_?)dup

Gene: SPG11 (SPG11 vesicle trafficking associated, spatacsin; minus strand). Cytogenetic location: 15q21.1.
Variant type: Duplication.
Identifiers: ClinVar variation 3243796 (VCV003243796.1).